The following is an entry in ClinVar:

NM_000393.5(COL5A2):c.568-12T>C

Gene: COL5A2 (collagen type V alpha 2 chain; minus strand). Cytogenetic location: 2q32.2.
Variant type: single nucleotide variant.
Coding change: c.568-12T>C on transcript NM_000393.5 (MANE Select); 12 bases into the intron before coding-DNA position 568, T replaced by C.
Molecular consequence: intron variant.
Genome position (GRCh38, 1-based): chr2:189,088,784, A>G on the plus strand (T>C on the coding strand, the complement: COL5A2 is on the minus strand). VCF-style: chr2-189088784-A-G. GRCh37 (hg19) VCF-style: chr2-189953510-A-G.
Identifiers: ClinVar variation 3677147 (VCV003677147.2).

ClinVar aggregate classification (germline): Uncertain significance (1 of 4 stars; one submission).

Conditions:
Ehlers-Danlos syndrome, classic type, 1 (EDSCL1). Also called: EHLERS-DANLOS SYNDROME, GRAVIS TYPE; EHLERS-DANLOS SYNDROME, SEVERE CLASSIC TYPE; Ehlers-Danlos syndrome, type 1; Ehlers-Danlos Syndrome, Classic Type, COL5A1-Related; EDS I. Identifiers: MedGen C0268335, MONDO:0019567, OMIM 130000.

gnomAD v4.1: 3 of 1,608,458 alleles (0.00019%); highest among the groups gnomAD compares: Non-Finnish European, 0.00026%; no homozygotes.

Submission:

Labcorp Genetics (formerly Invitae), Labcorp
Classification: Uncertain significance for Ehlers-Danlos syndrome, classic type, 1. Last evaluated: 2024-04-04. Review status: criteria provided, single submitter. Criteria: Invitae Variant Classification Sherloc (09022015). Collection method: clinical testing. Allele origin: germline.
Comment: This sequence change falls in intron 7 of the COL5A2 gene. It does not directly change the encoded amino acid sequence of the COL5A2 protein. This variant is not present in population databases (gnomAD no frequency). This variant has not been reported in the literature in individuals affected with COL5A2-related conditions. Algorithms developed to predict the effect of sequence changes on RNA splicing suggest that this variant may disrupt the consensus splice site. In summary, the available evidence is currently insufficient to determine the role of this variant in disease. Therefore, it has been classified as a Variant of Uncertain Significance.